The following is an entry in ClinVar:

NM_000361.3(THBD):c.129G>C (p.Ala43=)

Gene: THBD (thrombomodulin; minus strand). Cytogenetic location: 20p11.21.
Variant type: single nucleotide variant.
Coding change: c.129G>C on transcript NM_000361.3 (MANE Select); coding-DNA position 129, G replaced by C.
Protein change: p.Ala43=; no amino-acid change (alanine 43 retained).
Molecular consequence: synonymous variant.
Genome position (GRCh38, 1-based): chr20:23,049,376, C>G on the plus strand (G>C on the coding strand, the complement: THBD is on the minus strand). VCF-style: chr20-23049376-C-G. GRCh37 (hg19) VCF-style: chr20-23030013-C-G.
Identifiers: ClinVar variation 1588491 (VCV001588491.9), dbSNP rs775090301, ClinGen allele CA9787790.
Genomic context (GRCh38, chr20:23,049,376, plus strand): 5'-GCGCACTGTCATTAGGTGGCCCCGCAGTCCGTCGCAGATCTGACTGGCATTGAGGAAGGT[C>G]GCGGGGCCCGGGTAGAGCGCGAAGCAGTCGTGCTCGACGCACTGGCTGCCACCCGGCTGC-3'
Protein context (NP_000352.1, residues 33-53): HDCFALYPGP[Ala43=]TFLNASQICD

ClinVar aggregate classification (germline): Likely benign. Review status: criteria provided, multiple submitters, no conflicts (2 of 4 stars). 2 submissions from 2 submitters: Likely benign (2). Last evaluated 2025-09-22.

Conditions:
Thrombomodulin-related bleeding disorder (THPH12). Also called: Thrombophilia due to thrombomodulin defect. Identifiers: Orphanet 436169, MedGen C3280976, MONDO:0013775, OMIM 614486.

Allele frequency attached by ClinVar (database versions not stated): gnomAD 0.00001; TOPMed 0.00001.
gnomAD v4.1: 64 of 1,602,222 alleles (0.004%); highest among the groups gnomAD compares: Non-Finnish European, 0.0054%; no homozygotes.

Submissions (2):

Genomenon, Inc
Classification: Likely benign for Thrombomodulin-related bleeding disorder. Last evaluated: 2025-09-22. Review status: criteria provided, single submitter. Criteria: Genomenon Sequence Variant Interpretation Standards - Updated. Collection method: curation. Allele origin: germline. Affected: no.
Comment: THBD p.Ala43= (c.129G>C) is a synonymous variant that retains Alanine at residue 43. This variant has been reported in the published literature (PMID:15842356;10971021;9843165;16507317;34190147;10460600). This synonymous variant is not predicted to impact splicing and does not affect a conserved nucleotide. It is absent or not present at a significant frequency in gnomAD. In conclusion, we classify THBD p.Ala43= (c.129G>C) as a likely benign variant.

Labcorp Genetics (formerly Invitae), Labcorp
Classification: Likely benign. Last evaluated: 2025-04-23. Review status: criteria provided, single submitter. Criteria: Invitae Variant Classification Sherloc (09022015). Collection method: clinical testing. Allele origin: germline.

Literature cited by the submitters: PubMed 15842356 (cited by Genomenon, Inc); PubMed 10971021 (cited by Genomenon, Inc); PubMed 9843165 (cited by Genomenon, Inc); PubMed 16507317 (cited by Genomenon, Inc); PubMed 34190147 (cited by Genomenon, Inc); PubMed 10460600 (cited by Genomenon, Inc).